The following is an entry in ClinVar:

ClinVar aggregate classification (germline): Uncertain significance (1 of 4 stars; one submission).

Conditions:
Hypertrophic cardiomyopathy. Also called: HYPERTROPHIC MYOCARDIOPATHY. Identifiers: Orphanet 217569, MedGen C0007194, MeSH D002312, MONDO:0005045, HP:0001639.

Submission:

Labcorp Genetics (formerly Invitae), Labcorp
Classification: Uncertain significance for Hypertrophic cardiomyopathy. Last evaluated: 2022-11-22. Review status: criteria provided, single submitter. Criteria: Invitae Variant Classification Sherloc (09022015). Collection method: clinical testing. Allele origin: germline.
Comment: In summary, the available evidence is currently insufficient to determine the role of this variant in disease. Therefore, it has been classified as a Variant of Uncertain Significance. Advanced modeling of protein sequence and biophysical properties (such as structural, functional, and spatial information, amino acid conservation, physicochemical variation, residue mobility, and thermodynamic stability) performed at Invitae indicates that this missense variant is expected to disrupt MYH7 protein function. ClinVar contains an entry for this variant (Variation ID: 1359914). This variant has not been reported in the literature in individuals affected with MYH7-related conditions. This variant is not present in population databases (gnomAD no frequency). This sequence change replaces leucine, which is neutral and non-polar, with proline, which is neutral and non-polar, at codon 395 of the MYH7 protein (p.Leu395Pro).

NM_000257.4(MYH7):c.1184T>C (p.Leu395Pro)

Gene: MYH7 (myosin heavy chain 7; minus strand). Cytogenetic location: 14q11.2.
Variant type: single nucleotide variant.
Coding change: c.1184T>C on transcript NM_000257.4 (MANE Select); coding-DNA position 1184, T replaced by C.
Protein change: p.Leu395Pro; replaces leucine 395 with proline.
Molecular consequence: missense variant.
Genome position (GRCh38, 1-based): chr14:23,429,302, A>G on the plus strand (T>C on the coding strand, the complement: MYH7 is on the minus strand). VCF-style: chr14-23429302-A-G. GRCh37 (hg19) VCF-style: chr14-23898511-A-G.
Other names: short protein forms L395P.
Identifiers: ClinVar variation 1359914 (VCV001359914.8), dbSNP rs1555338374, ClinGen allele CA389051167.